The following is an entry in ClinVar:

ClinVar aggregate classification (germline): Uncertain significance (1 of 4 stars; one submission).

Conditions:
Joubert syndrome. Also called: JOUBERT-BOLTSHAUSER SYNDROME; Familial aplasia of the vermis. Identifiers: Orphanet 475, MedGen C5979921, MONDO:0018772.
Meckel-Gruber syndrome. Also called: Dysencephalia splachnocystica; DYSENCEPHALIA SPLANCHNOCYSTICA; GRUBER SYNDROME. Identifiers: Orphanet 564, MedGen C0265215, MONDO:0018921.

Allele frequency attached by ClinVar (database versions not stated): TOPMed below 0.00001.

Submission:

Labcorp Genetics (formerly Invitae), Labcorp
Classification: Uncertain significance for Joubert syndrome; Meckel-Gruber syndrome. Last evaluated: 2021-06-22. Review status: criteria provided, single submitter. Criteria: Invitae Variant Classification Sherloc (09022015). Collection method: clinical testing. Allele origin: germline.
Comment: In summary, the available evidence is currently insufficient to determine the role of this variant in disease. Therefore, it has been classified as a Variant of Uncertain Significance. Algorithms developed to predict the effect of missense changes on protein structure and function output the following: SIFT: "Tolerated"; PolyPhen-2: "Benign"; Align-GVGD: "Class C0". The alanine amino acid residue is found in multiple mammalian species, suggesting that this missense change does not adversely affect protein function. These predictions have not been confirmed by published functional studies and their clinical significance is uncertain. This variant has not been reported in the literature in individuals with CC2D2A-related conditions. This variant is not present in population databases (ExAC no frequency). This sequence change replaces valine with alanine at codon 617 of the CC2D2A protein (p.Val617Ala). The valine residue is weakly conserved and there is a small physicochemical difference between valine and alanine.

NM_001378615.1(CC2D2A):c.1850T>C (p.Val617Ala)

Genes: CC2D2A (coiled-coil and C2 domain containing 2A; plus strand), FBXL5 (F-box and leucine rich repeat protein 5; minus strand). Cytogenetic location: 4p15.32.
Variant type: single nucleotide variant.
Coding change: c.1850T>C on transcript NM_001378615.1 (MANE Select); coding-DNA position 1850, T replaced by C.
Protein change: p.Val617Ala; replaces valine 617 with alanine.
Molecular consequence: missense variant.
Genome position (GRCh38, 1-based): chr4:15,537,984, T>C. VCF-style: chr4-15537984-T-C. GRCh37 (hg19) VCF-style: chr4-15539607-T-C.
Other names: c.1850T>C, p.Val617Ala (NM_001080522.2); c.1703T>C, p.Val568Ala (NM_001378617.1); short protein forms V568A, V617A.
Identifiers: ClinVar variation 972210 (VCV000972210.10), dbSNP rs1718226237, ClinGen allele CA356411716.